The following is an entry in ClinVar:

ClinVar aggregate classification (germline): Uncertain significance. Review status: criteria provided, multiple submitters, no conflicts (2 of 4 stars). 3 submissions from 3 submitters: Uncertain significance (3). Last evaluated 2024-12-20.

Conditions:
Sessile serrated polyposis cancer syndrome (SSPCS). Identifiers: Orphanet 157798, MedGen C4310714, MONDO:0014919, OMIM 617108.

Submissions (3):

Ambry Genetics
Classification: Uncertain significance. Last evaluated: 2024-12-20. Review status: criteria provided, single submitter. Criteria: Ambry Variant Classification Scheme 2023. Collection method: clinical testing. Allele origin: germline.
Comment: The p.P260R variant (also known as c.779C>G), located in coding exon 6 of the RNF43 gene, results from a C to G substitution at nucleotide position 779. The proline at codon 260 is replaced by arginine, an amino acid with dissimilar properties. This amino acid position is conserved. In addition, this alteration is predicted to be tolerated by in silico analysis. Based on the available evidence, the clinical significance of this variant remains unclear.

Baylor Genetics
Classification: Uncertain significance for Sessile serrated polyposis cancer syndrome. Last evaluated: 2023-06-01. Review status: criteria provided, single submitter. Criteria: ACMG Guidelines, 2015. Collection method: clinical testing. Allele origin: unknown.

Labcorp Genetics (formerly Invitae), Labcorp
Classification: Uncertain significance. Last evaluated: 2022-12-22. Review status: criteria provided, single submitter. Criteria: Invitae Variant Classification Sherloc (09022015). Collection method: clinical testing. Allele origin: germline.
Comment: This variant is not present in population databases (gnomAD no frequency). This sequence change replaces proline, which is neutral and non-polar, with arginine, which is basic and polar, at codon 260 of the RNF43 protein (p.Pro260Arg). This variant has not been reported in the literature in individuals affected with RNF43-related conditions. Algorithms developed to predict the effect of missense changes on protein structure and function output the following: SIFT: "Tolerated"; PolyPhen-2: "Benign"; Align-GVGD: "Class C0". The arginine amino acid residue is found in multiple mammalian species, which suggests that this missense change does not adversely affect protein function. In summary, the available evidence is currently insufficient to determine the role of this variant in disease. Therefore, it has been classified as a Variant of Uncertain Significance.

NM_017763.6(RNF43):c.779C>G (p.Pro260Arg)

Gene: RNF43 (ring finger protein 43; minus strand). Cytogenetic location: 17q22.
Variant type: single nucleotide variant.
Coding change: c.779C>G on transcript NM_017763.6 (MANE Select); coding-DNA position 779, C replaced by G.
Protein change: p.Pro260Arg; replaces proline 260 with arginine.
Molecular consequence: missense variant.
Genome position (GRCh38, 1-based): chr17:58,360,853, G>C on the plus strand (C>G on the coding strand, the complement: RNF43 is on the minus strand). VCF-style: chr17-58360853-G-C. GRCh37 (hg19) VCF-style: chr17-56438214-G-C.
Other names: c.779C>G (NM_017763.4); c.779C>G, p.Pro260Arg (NM_001305544.3); c.398C>G, p.Pro133Arg (NM_001305545.2); short protein forms P133R, P260R.
Identifiers: ClinVar variation 2678424 (VCV002678424.5), dbSNP rs2143446361, ClinGen allele CA400333863.